The following is an entry in ClinVar:

ClinVar aggregate classification (germline): Uncertain significance. Review status: criteria provided, multiple submitters, no conflicts (2 of 4 stars). 2 submissions from 2 submitters: Uncertain significance (2). Last evaluated 2026-01-04.

Allele frequency attached by ClinVar (database versions not stated): gnomAD exomes 0.00001; TOPMed 0.00001; ExAC 0.00002.
gnomAD v4.1: 16 of 1,614,090 alleles (0.00099%); highest among the groups gnomAD compares: Middle Eastern, 0.033%; no homozygotes.

Submissions (2):

Labcorp Genetics (formerly Invitae), Labcorp
Classification: Uncertain significance. Last evaluated: 2026-01-04. Review status: criteria provided, single submitter. Criteria: Invitae Variant Classification Sherloc (09022015). Collection method: clinical testing. Allele origin: germline.
Comment: This sequence change replaces arginine, which is basic and polar, with cysteine, which is neutral and slightly polar, at codon 825 of the PITPNM3 protein (p.Arg825Cys). This variant is present in population databases (rs768499606, gnomAD 0.003%). This variant has not been reported in the literature in individuals affected with PITPNM3-related conditions. ClinVar contains an entry for this variant (Variation ID: 1422050). Invitae Evidence Modeling of protein sequence and biophysical properties (such as structural, functional, and spatial information, amino acid conservation, physicochemical variation, residue mobility, and thermodynamic stability) indicates that this missense variant is not expected to disrupt PITPNM3 protein function with a negative predictive value of 80%. In summary, the available evidence is currently insufficient to determine the role of this variant in disease. Therefore, it has been classified as a Variant of Uncertain Significance.

Ambry Genetics
Classification: Uncertain significance. Last evaluated: 2024-05-30. Review status: criteria provided, single submitter. Criteria: Ambry Variant Classification Scheme 2023. Collection method: clinical testing. Allele origin: germline.

NM_031220.4(PITPNM3):c.2473C>T (p.Arg825Cys)

Gene: PITPNM3 (PITPNM family member 3; minus strand). Cytogenetic location: 17p13.2.
Variant type: single nucleotide variant.
Coding change: c.2473C>T on transcript NM_031220.4 (MANE Select); coding-DNA position 2473, C replaced by T.
Protein change: p.Arg825Cys; replaces arginine 825 with cysteine.
Molecular consequence: missense variant.
Genome position (GRCh38, 1-based): chr17:6,461,390, G>A on the plus strand (C>T on the coding strand, the complement: PITPNM3 is on the minus strand). VCF-style: chr17-6461390-G-A. GRCh37 (hg19) VCF-style: chr17-6364710-G-A.
Other names: c.2365C>T, p.Arg789Cys (NM_001165966.2); c.2473C>T (NM_031220.3); short protein forms R825C, R789C.
Identifiers: ClinVar variation 1422050 (VCV001422050.7), dbSNP rs768499606, ClinGen allele CA8329170.